The following is an entry in ClinVar:

ClinVar aggregate classification (germline): Uncertain significance (1 of 4 stars; one submission).

Submission:

Labcorp Genetics (formerly Invitae), Labcorp
Classification: Uncertain significance. Last evaluated: 2024-04-29. Review status: criteria provided, single submitter. Criteria: Invitae Variant Classification Sherloc (09022015). Collection method: clinical testing. Allele origin: germline.
Comment: This sequence change replaces glutamic acid, which is acidic and polar, with aspartic acid, which is acidic and polar, at codon 2103 of the POLE protein (p.Glu2103Asp). This variant is not present in population databases (gnomAD no frequency). This variant has not been reported in the literature in individuals affected with POLE-related conditions. Advanced modeling of protein sequence and biophysical properties (such as structural, functional, and spatial information, amino acid conservation, physicochemical variation, residue mobility, and thermodynamic stability) performed at Invitae indicates that this missense variant is not expected to disrupt POLE protein function with a negative predictive value of 80%. In summary, the available evidence is currently insufficient to determine the role of this variant in disease. Therefore, it has been classified as a Variant of Uncertain Significance.

NM_006231.4(POLE):c.6309G>T (p.Glu2103Asp)

Gene: POLE (DNA polymerase epsilon, catalytic subunit; minus strand). Cytogenetic location: 12q24.33.
Variant type: single nucleotide variant.
Coding change: c.6309G>T on transcript NM_006231.4 (MANE Select); coding-DNA position 6309, G replaced by T.
Protein change: p.Glu2103Asp; replaces glutamic acid 2103 with aspartic acid.
Molecular consequence: missense variant.
Genome position (GRCh38, 1-based): chr12:132,632,336, C>A on the plus strand (G>T on the coding strand, the complement: POLE is on the minus strand). VCF-style: chr12-132632336-C-A. GRCh37 (hg19) VCF-style: chr12-133208922-C-A.
Other names: short protein forms E2103D.
Identifiers: ClinVar variation 3651525 (VCV003651525.2).